The following is an entry in ClinVar:

ClinVar aggregate classification (germline): Uncertain significance (1 of 4 stars; one submission).

Conditions:
Cranium bifidum occultum. Also called: CRANIUM BIFIDUM, HEREDITARY; CATLIN MARKS; Enlarged Parietal Foramina. Identifiers: MedGen C1868598, HP:0004423.

Submission:

Labcorp Genetics (formerly Invitae), Labcorp
Classification: Uncertain significance for Cranium bifidum occultum. Last evaluated: 2023-07-12. Review status: criteria provided, single submitter. Criteria: Invitae Variant Classification Sherloc (09022015). Collection method: clinical testing. Allele origin: germline.
Comment: This variant is not present in population databases (gnomAD no frequency). This sequence change replaces methionine, which is neutral and non-polar, with leucine, which is neutral and non-polar, at codon 53 of the MSX2 protein (p.Met53Leu). In summary, the available evidence is currently insufficient to determine the role of this variant in disease. Therefore, it has been classified as a Variant of Uncertain Significance. Advanced modeling of protein sequence and biophysical properties (such as structural, functional, and spatial information, amino acid conservation, physicochemical variation, residue mobility, and thermodynamic stability) performed at Invitae indicates that this missense variant is not expected to disrupt MSX2 protein function. This variant has not been reported in the literature in individuals affected with MSX2-related conditions.

NM_002449.5(MSX2):c.157A>C (p.Met53Leu)

Gene: MSX2 (msh homeobox 2; plus strand). Cytogenetic location: 5q35.2.
Variant type: single nucleotide variant.
Coding change: c.157A>C on transcript NM_002449.5 (MANE Select); coding-DNA position 157, A replaced by C.
Protein change: p.Met53Leu; replaces methionine 53 with leucine.
Molecular consequence: missense variant.
Genome position (GRCh38, 1-based): chr5:174,724,816, A>C. VCF-style: chr5-174724816-A-C. GRCh37 (hg19) VCF-style: chr5-174151819-A-C.
Other names: c.157A>C, p.Met53Leu (NM_001363626.2); short protein forms M53L.
Identifiers: ClinVar variation 2808031 (VCV002808031.3), dbSNP rs932163493, ClinGen allele CA362229235.